The following is an entry in ClinVar:

ClinVar aggregate classification (germline): Uncertain significance (1 of 4 stars; one submission).

Conditions:
Inflammatory skin and bowel disease, neonatal, 1. Identifiers: Orphanet 294023, MedGen C3280501, MONDO:0013693, OMIM 614328.

Allele frequency attached by ClinVar (database versions not stated): gnomAD exomes below 0.00001 and 0.00001.
gnomAD v4.1: 8 of 1,614,202 alleles (0.0005%); highest among the groups gnomAD compares: Non-Finnish European, 0.00068%; no homozygotes.

Submission:

Labcorp Genetics (formerly Invitae), Labcorp
Classification: Uncertain significance for Inflammatory skin and bowel disease, neonatal, 1. Last evaluated: 2024-11-22. Review status: criteria provided, single submitter. Criteria: Invitae Variant Classification Sherloc (09022015). Collection method: clinical testing. Allele origin: germline.
Comment: This sequence change replaces tyrosine, which is neutral and polar, with histidine, which is basic and polar, at codon 495 of the ADAM17 protein (p.Tyr495His). This variant is present in population databases (no rsID available, gnomAD 0.0009%). This variant has not been reported in the literature in individuals affected with ADAM17-related conditions. ClinVar contains an entry for this variant (Variation ID: 1050908). An algorithm developed to predict the effect of missense changes on protein structure and function outputs the following: PolyPhen-2: "Benign". The histidine amino acid residue is found in multiple mammalian species, which suggests that this missense change does not adversely affect protein function. In summary, the available evidence is currently insufficient to determine the role of this variant in disease. Therefore, it has been classified as a Variant of Uncertain Significance.

NM_003183.6(ADAM17):c.1483T>C (p.Tyr495His)

Genes: ADAM17 (ADAM metallopeptidase domain 17; minus strand), IAH1 (isoamyl acetate hydrolyzing esterase 1 (putative); plus strand). Cytogenetic location: 2p25.1.
Variant type: single nucleotide variant.
Coding change: c.1483T>C on transcript NM_003183.6 (MANE Select); coding-DNA position 1483, T replaced by C.
Protein change: p.Tyr495His; replaces tyrosine 495 with histidine.
Molecular consequence: missense variant.
Genome position (GRCh38, 1-based): chr2:9,505,227, A>G on the plus strand (T>C on the coding strand, the complement: ADAM17 is on the minus strand). VCF-style: chr2-9505227-A-G. GRCh37 (hg19) VCF-style: chr2-9645356-A-G.
Other names: c.823T>C, p.Tyr275His (NM_001382777.1); c.586T>C, p.Tyr196His (NM_001382778.1); short protein forms Y196H, Y275H, Y495H.
Identifiers: ClinVar variation 1050908 (VCV001050908.5), dbSNP rs1340914501, ClinGen allele CA345777286.